The following is an entry in ClinVar:

ClinVar aggregate classification (germline): Likely pathogenic (1 of 4 stars; one submission).

Conditions:
Hereditary cancer-predisposing syndrome. Also called: Neoplastic Syndromes, Hereditary; Tumor predisposition; Hereditary Cancer Syndrome; Hereditary neoplastic syndrome. Identifiers: Orphanet 140162, MedGen C0027672, MeSH D009386, MONDO:0015356.

Submission:

Ambry Genetics
Classification: Likely pathogenic for Hereditary cancer-predisposing syndrome. Last evaluated: 2021-09-21. Review status: criteria provided, single submitter. Criteria: Ambry Variant Classification Scheme 2023. Collection method: clinical testing. Allele origin: germline.
Comment: The c.1710delC variant, located in coding exon 9 of the MEN1 gene, results from a deletion of one nucleotide at nucleotide position 1710, causing a translational frameshift with a predicted alternate stop codon (p.N571Tfs*17). This alteration occurs at the 3' terminus of MEN1 gene, is not expected to trigger nonsense-mediated mRNA decay, and only impacts the last 40 amino acids of the protein. However, premature stop codons are typically deleterious in nature and the impacted region is critical for protein function (Ambry internal data). This variant is considered to be rare based on population cohorts in the Genome Aggregation Database (gnomAD). Based on the majority of available evidence to date, this variant is likely to be pathogenic.

NM_001370259.2(MEN1):c.1710del (p.Asn571fs)

Gene: MEN1 (menin 1; minus strand). Cytogenetic location: 11q13.1.
Variant type: Deletion.
Coding change: c.1710del on transcript NM_001370259.2 (MANE Select); coding-DNA position 1710, one base deleted (C; older notation c.1710delC).
Protein change: p.Asn571fs; shifts the reading frame from asparagine 571.
Molecular consequence: frameshift variant.
Genome position (GRCh38, 1-based): chr11:64,804,457, G deleted on the plus strand (C on the coding strand, the reverse complement: MEN1 is on the minus strand). VCF-style (leftmost placement, unchanged base first): chr11-64804456-TG-T. GRCh37 (hg19) VCF-style: chr11-64571928-TG-T.
Other names: c.1725del, p.Asn576fs (NM_000244.4, NM_130800.3, NM_130801.3 and 3 more transcripts); c.1836del, p.Asn613fs (NM_001370251.2); c.1710del, p.Asn571fs (NM_001370260.2, NM_001370261.2, NM_130799.3); c.1605del, p.Asn536fs (NM_001370262.2, NM_001370263.2); c.1836delC, p.Asn613Thrfs (NM_001407142.1, NM_001407143.1, NM_001407144.1); c.1725delC, p.Asn576Thrfs (NM_001407145.1); c.1710delC, p.Asn571Thrfs (NM_001407146.1, NM_001407147.1); c.1605delC, p.Asn536Thrfs (NM_001407148.1, NM_001407149.1); and 3 more; short protein forms N536fs, N576fs, N613fs, N571fs.
Identifiers: ClinVar variation 1778555 (VCV001778555.2), dbSNP rs2497104394, ClinGen allele CA2580084408.